The following is an entry in ClinVar:

ClinVar aggregate classification (germline): Benign (1 of 4 stars; one submission).

Allele frequency attached by ClinVar (database versions not stated): 1000 Genomes Project 30x 0.07121; 1000 Genomes Project 0.07428; TOPMed 0.08369; gnomAD 0.08726 and 0.08787.
gnomAD v4.1: 13,414 of 152,258 alleles (8.8%); highest among the groups gnomAD compares: South Asian, 15%; 676 homozygotes.

Submission:

GeneDx
Classification: Benign. Last evaluated: 2018-06-14. Review status: criteria provided, single submitter. Criteria: GeneDx Variant Classification (06012015). Collection method: clinical testing. Allele origin: germline. Affected: yes.
Comment: This variant is considered likely benign or benign based on one or more of the following criteria: it is a conservative change, it occurs at a poorly conserved position in the protein, it is predicted to be benign by multiple in silico algorithms, and/or has population frequency not consistent with disease.

NM_133259.4(LRPPRC):c.3901-175T>C

Gene: LRPPRC (leucine rich pentatricopeptide repeat containing; minus strand). Cytogenetic location: 2p21.
Variant type: single nucleotide variant.
Coding change: c.3901-175T>C on transcript NM_133259.4 (MANE Select); 175 bases into the intron before coding-DNA position 3901, T replaced by C.
Molecular consequence: intron variant.
Genome position (GRCh38, 1-based): chr2:43,894,804, A>G on the plus strand (T>C on the coding strand, the complement: LRPPRC is on the minus strand). VCF-style: chr2-43894804-A-G. GRCh37 (hg19) VCF-style: chr2-44121943-A-G.
Identifiers: ClinVar variation 684331 (VCV000684331.1), dbSNP rs62138479, ClinGen allele CA46502170.